The following is an entry in ClinVar:

NM_001330260.2(SCN8A):c.4780_4782del (p.Ile1594del)

Gene: SCN8A (sodium voltage-gated channel alpha subunit 8; plus strand). Cytogenetic location: 12q13.13.
Variant type: Deletion.
Coding change: c.4780_4782del on transcript NM_001330260.2 (MANE Select); coding-DNA positions 4780 to 4782, 3 bases deleted (ATC; older notation c.4780_4782delATC).
Protein change: p.Ile1594del; deletes isoleucine 1594.
Molecular consequence: inframe deletion.
Genome position (GRCh38, 1-based): chr12:51,794,626-51,794,628, ATC deleted; deleting any 3 consecutive bases within chr12:51,794,624-51,794,628 gives the same sequence; the c. name uses the placement nearest the transcript's 3' end. VCF-style (leftmost placement, unchanged base first): chr12-51794623-GTCA-G. GRCh37 (hg19) VCF-style: chr12-52188407-GTCA-G.
Other names: c.4657_4659del, p.Ile1553del (NM_001177984.3, NM_001369788.1); c.4780_4782del, p.Ile1594del (NM_014191.4); short protein forms I1553del, I1594del.
Identifiers: ClinVar variation 2021379 (VCV002021379.4), dbSNP rs2540316051, ClinGen allele CA2580086435.

ClinVar aggregate classification (germline): Uncertain significance (1 of 4 stars; one submission).

Conditions:
Early-infantile DEE. Also called: Ohtahara syndrome; Early infantile epileptic encephalopathy with suppression bursts; Early infantile epileptic encephalopathy. Identifiers: Orphanet 1934, MedGen C0393706, MONDO:0800491.

Submission:

Labcorp Genetics (formerly Invitae), Labcorp
Classification: Uncertain significance for Early-infantile DEE. Last evaluated: 2023-07-17. Review status: criteria provided, single submitter. Criteria: Invitae Variant Classification Sherloc (09022015). Collection method: clinical testing. Allele origin: germline.
Comment: This variant is not present in population databases (gnomAD no frequency). This variant, c.4780_4782del, results in the deletion of 1 amino acid(s) of the SCN8A protein (p.Ile1594del), but otherwise preserves the integrity of the reading frame. This variant has not been reported in the literature in individuals affected with SCN8A-related conditions. ClinVar contains an entry for this variant (Variation ID: 2021379). Experimental studies and prediction algorithms are not available or were not evaluated, and the functional significance of this variant is currently unknown. In summary, the available evidence is currently insufficient to determine the role of this variant in disease. Therefore, it has been classified as a Variant of Uncertain Significance.